The following is an entry in ClinVar:

NM_001164508.2(NEB):c.7351C>T (p.Pro2451Ser)

Gene: NEB (nebulin; minus strand). Cytogenetic location: 2q23.3.
Variant type: single nucleotide variant.
Coding change: c.7351C>T on transcript NM_001164508.2 (MANE Select); coding-DNA position 7351, C replaced by T.
Protein change: p.Pro2451Ser; replaces proline 2451 with serine.
Molecular consequence: missense variant.
Genome position (GRCh38, 1-based): chr2:151,650,256, G>A on the plus strand (C>T on the coding strand, the complement: NEB is on the minus strand). VCF-style: chr2-151650256-G-A. GRCh37 (hg19) VCF-style: chr2-152506770-G-A.
Other names: c.7351C>T, p.Pro2451Ser (NM_001164507.2, NM_001271208.2, NM_004543.5); c.7351C>T (NM_004543.4); short protein forms P2451S.
Identifiers: ClinVar variation 1303955 (VCV001303955.3), dbSNP rs1443692678, ClinGen allele CA348788024.

ClinVar aggregate classification (germline): Uncertain significance. Review status: criteria provided, multiple submitters, no conflicts (2 of 4 stars). 2 submissions from 2 submitters: Uncertain significance (2). Last evaluated 2024-07-30.

Conditions:
Inborn genetic diseases. Identifiers: MedGen C0950123, MeSH D030342.

Allele frequency attached by ClinVar (database versions not stated): gnomAD exomes 0.00001.
gnomAD v4.1: 9 of 1,613,870 alleles (0.00056%); highest among the groups gnomAD compares: Non-Finnish European, 0.00076%; no homozygotes.

Submissions (2):

Ambry Genetics
Classification: Uncertain significance for Inborn genetic diseases. Last evaluated: 2024-07-30. Review status: criteria provided, single submitter. Criteria: Ambry Variant Classification Scheme 2023. Collection method: clinical testing. Allele origin: germline.

GeneDx
Classification: Uncertain significance. Last evaluated: 2019-10-01. Review status: criteria provided, single submitter. Criteria: GeneDx Variant Classification Process June 2021. Collection method: clinical testing. Allele origin: germline. Affected: yes.
Comment: Not observed at a significant frequency in large population cohorts (Lek et al., 2016); In silico analysis, which includes protein predictors and evolutionary conservation, supports a deleterious effect; Has not been previously published as pathogenic or benign to our knowledge